The following is an entry in ClinVar:

NM_175737.4(KLB):c.26C>A (p.Ser9Tyr)

Gene: KLB (klotho beta; plus strand). Cytogenetic location: 4p14.
Variant type: single nucleotide variant.
Coding change: c.26C>A on transcript NM_175737.4 (MANE Select); coding-DNA position 26, C replaced by A.
Protein change: p.Ser9Tyr; replaces serine 9 with tyrosine.
Molecular consequence: missense variant.
Genome position (GRCh38, 1-based): chr4:39,406,975, C>A. VCF-style: chr4-39406975-C-A. GRCh37 (hg19) VCF-style: chr4-39408595-C-A.
Other names: c.26C>A (NM_175737.3); short protein forms S9Y.
Identifiers: ClinVar variation 1634175 (VCV001634175.11), dbSNP rs10003369, ClinGen allele CA2893599.

ClinVar aggregate classification (germline): Benign. Review status: criteria provided, multiple submitters, no conflicts (2 of 4 stars). 3 submissions from 3 submitters: Benign (2). 1 of the submissions does not count toward it. Last evaluated 2025-11-03.

Conditions:
KLB-related disorder. Also called: KLB-related condition.

Allele frequency attached by ClinVar (database versions not stated): gnomAD exomes 0.00057 and 0.00153; ExAC 0.00205; gnomAD 0.00606 and 0.00645; ESP Exome Variant Server 0.00638; TOPMed 0.00652; 1000 Genomes Project 0.00719; 1000 Genomes Project 30x 0.00734.
gnomAD v4.1: 1,815 of 1,611,720 alleles (0.11%); highest among the groups gnomAD compares: African/African-American, 2.1%; 24 homozygotes.

Submissions (3):

Labcorp Genetics (formerly Invitae), Labcorp
Classification: Benign. Last evaluated: 2025-11-03. Review status: criteria provided, single submitter. Criteria: Invitae Variant Classification Sherloc (09022015). Collection method: clinical testing. Allele origin: germline.

Breakthrough Genomics
Classification: Benign. Review status: criteria provided, single submitter. Criteria: ACMG Guidelines, 2015. Collection method: not provided. Allele origin: germline. Inheritance: Unknown mechanism. Affected: yes.

PreventionGenetics, part of Exact Sciences
Classification: Likely benign for KLB-related condition. Last evaluated: 2019-04-10. Review status: no assertion criteria provided. Collection method: clinical testing. Allele origin: germline. Not counted in ClinVar's aggregate classification.
Comment: This variant is classified as likely benign based on ACMG/AMP sequence variant interpretation guidelines (Richards et al. 2015 PMID: 25741868, with internal and published modifications).